The following is an entry in ClinVar:

ClinVar aggregate classification (germline): Benign/Likely benign. Review status: criteria provided, multiple submitters, no conflicts (2 of 4 stars). 3 submissions from 3 submitters: Benign (1); Likely benign (2). Last evaluated 2026-01-14.

Conditions:
Lynch syndrome 5 (LYNCH5). Also called: Colorectal cancer, hereditary nonpolyposis, type 5; Hereditary non-polyposis colorectal cancer, type 5. Identifiers: Orphanet 144, MedGen C1833477, MONDO:0013710, OMIM 614350. Disease mechanism: loss of function.
Hereditary cancer-predisposing syndrome. Also called: Tumor predisposition; Hereditary Cancer Syndrome; Hereditary neoplastic syndrome; Neoplastic Syndromes, Hereditary. Identifiers: Orphanet 140162, MedGen C0027672, MeSH D009386, MONDO:0015356.
Hereditary nonpolyposis colorectal neoplasms. Identifiers: MedGen C0009405, MeSH D003123.

Submissions (3):

Ambry Genetics
Classification: Likely benign for Hereditary cancer-predisposing syndrome. Last evaluated: 2026-01-14. Review status: criteria provided, single submitter. Criteria: Ambry Variant Classification Scheme 2023. Collection method: clinical testing. Allele origin: germline.

Myriad Genetics, Inc.
Classification: Benign for Lynch syndrome 5. Last evaluated: 2024-12-26. Review status: criteria provided, single submitter. Criteria: Myriad Autosomal Dominant, Autosomal Recessive and X-Linked Classification Criteria (2023). Collection method: clinical testing. Allele origin: unknown.
Comment: This variant is considered benign. This variant is a silent/synonymous amino acid change and it is not expected to impact splicing.

Labcorp Genetics (formerly Invitae), Labcorp
Classification: Likely benign for Hereditary nonpolyposis colorectal neoplasms. Last evaluated: 2021-06-14. Review status: criteria provided, single submitter. Criteria: Invitae Variant Classification Sherloc (09022015). Collection method: clinical testing. Allele origin: germline.

NM_000179.3(MSH6):c.1305G>A (p.Leu435=)

Gene: MSH6 (mutS homolog 6; plus strand). Cytogenetic location: 2p16.3.
Variant type: single nucleotide variant.
Coding change: c.1305G>A on transcript NM_000179.3 (MANE Select); coding-DNA position 1305, G replaced by A.
Protein change: p.Leu435=; no amino-acid change (leucine 435 retained).
Molecular consequence: synonymous variant.
Genome position (GRCh38, 1-based): chr2:47,799,288, G>A. VCF-style: chr2-47799288-G-A. GRCh37 (hg19) VCF-style: chr2-48026427-G-A.
Other names: c.915G>A, p.Leu305= (NM_001281492.2); c.399G>A, p.Leu133= (NM_001281493.2, NM_001281494.2); c.1305G>A (NM_000179.2).
Identifiers: ClinVar variation 1565925 (VCV001565925.10), dbSNP rs786203803, ClinGen allele CA426120904.